The following is an entry in ClinVar:

ClinVar aggregate classification (germline): Uncertain significance (1 of 4 stars; one submission).

Conditions:
Dyskeratosis congenita, autosomal dominant 6 (DKCA6). Identifiers: Orphanet 3322, MedGen C4225284, MONDO:0014690, OMIM 616553.

Submission:

Labcorp Genetics (formerly Invitae), Labcorp
Classification: Uncertain significance for Dyskeratosis congenita, autosomal dominant 6. Last evaluated: 2024-07-23. Review status: criteria provided, single submitter. Criteria: Invitae Variant Classification Sherloc (09022015). Collection method: clinical testing. Allele origin: germline.
Comment: This sequence change affects a donor splice site in intron 10 of the ACD gene. It is expected to disrupt RNA splicing. Variants that disrupt the donor or acceptor splice site typically lead to a loss of protein function (PMID: 16199547), however the current clinical and genetic evidence is not sufficient to establish whether loss-of-function variants in ACD cause disease. This variant is not present in population databases (gnomAD no frequency). This variant has not been reported in the literature in individuals affected with ACD-related conditions. Algorithms developed to predict the effect of sequence changes on RNA splicing suggest that this variant may disrupt the consensus splice site. In summary, the available evidence is currently insufficient to determine the role of this variant in disease. Therefore, it has been classified as a Variant of Uncertain Significance.

Literature cited by the submitters: PubMed 16199547.

NM_001082486.2(ACD):c.1206+1G>C

Gene: ACD (ACD shelterin complex subunit and telomerase recruitment factor; minus strand). Cytogenetic location: 16q22.1.
Variant type: single nucleotide variant.
Coding change: c.1206+1G>C on transcript NM_001082486.2 (MANE Select); the canonical splice donor site of the intron after coding-DNA position 1206, G replaced by C.
Molecular consequence: splice donor variant.
Genome position (GRCh38, 1-based): chr16:67,657,985, C>G on the plus strand (G>C on the coding strand, the complement: ACD is on the minus strand). VCF-style: chr16-67657985-C-G. GRCh37 (hg19) VCF-style: chr16-67691888-C-G.
Other names: c.1197+1G>C (NM_022914.3); c.1119+1G>C (NM_001410884.1).
Identifiers: ClinVar variation 3660238 (VCV003660238.2).